The following is an entry in ClinVar:

ClinVar aggregate classification (germline): Benign/Likely benign. Review status: criteria provided, multiple submitters, no conflicts (2 of 4 stars). 5 submissions from 5 submitters: Benign (2); Likely benign (3). Last evaluated 2025-06-26.

Conditions:
Hereditary factor VIII deficiency disease (HEMA). Also called: Hemophilia A, congenital; HEM A; Factor 8 deficiency, congenital; AUTOSOMAL HEMOPHILIA A; Hemophilia A; HEMOPHILIA, CLASSIC. Identifiers: Orphanet 98878, MedGen C0019069, MONDO:0010602, OMIM 306700.

Allele frequency attached by ClinVar (database versions not stated): ESP Exome Variant Server 0.00047; gnomAD exomes 0.00181 and 0.00489; gnomAD 0.00356 and 0.00397; ExAC 0.00382; TOPMed 0.00676; 1000 Genomes Project 0.01325; 1000 Genomes Project 30x 0.01436.

Submissions (5):

ARUP Laboratories, Molecular Genetics and Genomics, ARUP Laboratories
Classification: Benign. Last evaluated: 2025-06-26. Review status: criteria provided, single submitter. Criteria: ARUP Molecular Germline Variant Investigation Process 2024. Collection method: clinical testing. Allele origin: germline.

Blueprint Genetics
Classification: Likely benign. Last evaluated: 2024-11-21. Review status: criteria provided, single submitter. Criteria: ACMG Guidelines, 2015. Collection method: clinical testing. Allele origin: germline.

Labcorp Genetics (formerly Invitae), Labcorp
Classification: Benign. Last evaluated: 2019-12-31. Review status: criteria provided, single submitter. Criteria: Invitae Variant Classification Sherloc (09022015). Collection method: clinical testing. Allele origin: germline.

Illumina Laboratory Services, Illumina
Classification: Likely benign for Hereditary factor VIII deficiency disease. Last evaluated: 2017-04-27. Review status: criteria provided, single submitter. Criteria: ICSL Variant Classification Criteria 13 December 2019. Collection method: clinical testing. Allele origin: germline.
Comment: This variant was observed as part of a predisposition screen in an ostensibly healthy population. A literature search was performed for the gene, cDNA change, and amino acid change (where applicable). Publications were found based on this search. The evidence from the literature, in combination with allele frequency data from public databases where available, was sufficient to determine this variant is unlikely to cause disease. Therefore, this variant is classified as likely benign.

Breakthrough Genomics
Classification: Likely benign. Review status: criteria provided, single submitter. Criteria: ACMG Guidelines, 2015. Collection method: not provided. Allele origin: germline. Inheritance: X-linked inheritance. Affected: yes.

Literature cited by the submitters: PubMed 11554935 (cited by Illumina Laboratory Services, Illumina); PubMed 23534532 (cited by Illumina Laboratory Services, Illumina).

NM_000132.4(F8):c.389-9C>T

Gene: F8 (coagulation factor VIII; minus strand). Cytogenetic location: Xq28.
Variant type: single nucleotide variant.
Coding change: c.389-9C>T on transcript NM_000132.4 (MANE Select); 9 bases into the intron before coding-DNA position 389, C replaced by T.
Molecular consequence: intron variant.
Genome position (GRCh38, 1-based): chrX:154,993,157, G>A on the plus strand (C>T on the coding strand, the complement: F8 is on the minus strand). VCF-style: chrX-154993157-G-A. GRCh37 (hg19) VCF-style: chrX-154221432-G-A.
Identifiers: ClinVar variation 368125 (VCV000368125.23), dbSNP rs35621875, ClinGen allele CA10568590.